The following is an entry in ClinVar:

NM_001556.3(IKBKB):c.730G>A (p.Val244Ile)

Gene: IKBKB (inhibitor of nuclear factor kappa B kinase subunit beta; plus strand). Cytogenetic location: 8p11.21.
Variant type: single nucleotide variant.
Coding change: c.730G>A on transcript NM_001556.3 (MANE Select); coding-DNA position 730, G replaced by A.
Protein change: p.Val244Ile; replaces valine 244 with isoleucine.
Molecular consequence: missense variant. On other transcripts: non-coding transcript variant (3).
Genome position (GRCh38, 1-based): chr8:42,314,359, G>A. VCF-style: chr8-42314359-G-A. GRCh37 (hg19) VCF-style: chr8-42171877-G-A.
Other names: c.538G>A, p.Val180Ile (NM_001190720.3); c.553G>A, p.Val185Ile (NM_001242778.2); short protein forms V180I, V185I, V244I.
Identifiers: ClinVar variation 960562 (VCV000960562.7), dbSNP rs774103270, ClinGen allele CA4731783.

ClinVar aggregate classification (germline): Uncertain significance (1 of 4 stars; one submission).

Conditions:
Severe combined immunodeficiency due to IKK2 deficiency. Also called: IMMUNODEFICIENCY 15B; Immunodeficiency 15. Identifiers: Orphanet 397787, MedGen C4747743, MONDO:0014267, OMIM 615592.

Allele frequency attached by ClinVar (database versions not stated): gnomAD exomes below 0.00001; ExAC 0.00001.

Submission:

Labcorp Genetics (formerly Invitae), Labcorp
Classification: Uncertain significance for Severe combined immunodeficiency due to IKK2 deficiency. Last evaluated: 2025-04-19. Review status: criteria provided, single submitter. Criteria: Invitae Variant Classification Sherloc (09022015). Collection method: clinical testing. Allele origin: germline.
Comment: This sequence change replaces valine, which is neutral and non-polar, with isoleucine, which is neutral and non-polar, at codon 244 of the IKBKB protein (p.Val244Ile). This variant is present in population databases (rs774103270, gnomAD 0.006%). This variant has not been reported in the literature in individuals affected with IKBKB-related conditions. ClinVar contains an entry for this variant (Variation ID: 960562). Invitae Evidence Modeling of protein sequence and biophysical properties (such as structural, functional, and spatial information, amino acid conservation, physicochemical variation, residue mobility, and thermodynamic stability) indicates that this missense variant is not expected to disrupt IKBKB protein function with a negative predictive value of 95%. In summary, the available evidence is currently insufficient to determine the role of this variant in disease. Therefore, it has been classified as a Variant of Uncertain Significance.